The following is an entry in ClinVar:

ClinVar aggregate classification (germline): Pathogenic. Review status: criteria provided, multiple submitters, no conflicts (2 of 4 stars). 6 submissions from 6 submitters: Pathogenic (6). Last evaluated 2025-10-15.

Conditions:
Epilepsy, familial focal, with variable foci 1 (FFEVF1). Also called: DEPDC5-Related Epilepsy. Identifiers: MedGen C4551983, MONDO:0024556, OMIM 604364.
DEPDC5-related disorder. Also called: DEPDC5-related condition; DEPDC5-related related disorder.
Familial focal epilepsy with variable foci (FPEVF). Identifiers: Orphanet 98820, MedGen C1858477, MONDO:0020310.
Seizure. Also called: Seizures. Identifiers: MedGen C0036572, HP:0001250.

Allele frequency attached by ClinVar (database versions not stated): TOPMed below 0.00001.

Submissions (6):

Women's Health and Genetics/Laboratory Corporation of America, LabCorp
Classification: Pathogenic for Epilepsy, familial focal, with variable foci 1. Last evaluated: 2025-10-15. Review status: criteria provided, single submitter. Criteria: LabCorp Variant Classification Summary - May 2015. Collection method: clinical testing. Allele origin: germline.
Comment: Variant summary: DEPDC5 c.1453C>T (p.Arg485X) results in a premature termination codon, predicted to cause a truncation of the encoded protein or absence of the protein due to nonsense mediated decay, which are commonly known mechanisms for disease. The variant was absent in 249250 control chromosomes. c.1453C>T has been observed in the heterozygous state in individual(s) affected with clinical features of Epilepsy, Familial Focal, With Variable Foci 1 (example, Gu_2024). The following publication has been ascertained in the context of this evaluation (PMID: 38752894). ClinVar contains an entry for this variant (Variation ID: 577194). Based on the evidence outlined above, the variant was classified as pathogenic.

Institute of Human Genetics, University of Leipzig Medical Center
Classification: Pathogenic for Epilepsy, familial focal, with variable foci 1. Last evaluated: 2025-03-04. Review status: criteria provided, single submitter. Criteria: ACMG Guidelines, 2015. Collection method: clinical testing. Allele origin: maternal. Inheritance: Autosomal dominant inheritance. Affected: yes.
Comment: Criteria applied: PM2,PS4_MOD,PVS1

Cytogénomique, Hospices Civils de Lyon
Classification: Pathogenic for Seizure. Last evaluated: 2025-02-24. Review status: criteria provided, single submitter. Criteria: ACMG Guidelines, 2015. Collection method: clinical testing. Allele origin: unknown. Affected: yes.

Labcorp Genetics (formerly Invitae), Labcorp
Classification: Pathogenic for Familial focal epilepsy with variable foci. Last evaluated: 2024-07-03. Review status: criteria provided, single submitter. Criteria: Invitae Variant Classification Sherloc (09022015). Collection method: clinical testing. Allele origin: germline.
Comment: This sequence change creates a premature translational stop signal (p.Arg485*) in the DEPDC5 gene. It is expected to result in an absent or disrupted protein product. Loss-of-function variants in DEPDC5 are known to be pathogenic (PMID: 23542697, 23542701). This variant is not present in population databases (gnomAD no frequency). This variant has not been reported in the literature in individuals affected with DEPDC5-related conditions. ClinVar contains an entry for this variant (Variation ID: 577194). For these reasons, this variant has been classified as Pathogenic.

Blueprint Genetics
Classification: Pathogenic for DEPDC5-related disorders. Last evaluated: 2019-11-19. Review status: criteria provided, single submitter. Criteria: ACMG Guidelines, 2015. Collection method: clinical testing. Allele origin: germline. Affected: yes. Observed: 3 variant alleles.

GeneDx
Classification: Pathogenic. Last evaluated: 2019-02-20. Review status: criteria provided, single submitter. Criteria: GeneDx Variant Classification (06012015). Collection method: clinical testing. Allele origin: germline. Affected: yes.
Comment: The R485X nonsense variant in the DEPDC5 gene is predicted to cause loss of normal protein function either through protein truncation or nonsense-mediated mRNA decay. The R485X variant is not observed in large population cohorts (Lek et al., 2016).

Literature cited by the submitters: PubMed 38752894 (cited by Women's Health and Genetics/Laboratory Corporation of America, LabCorp); PubMed 23542697 (cited by Labcorp Genetics (formerly Invitae), Labcorp); PubMed 23542701 (cited by Labcorp Genetics (formerly Invitae), Labcorp).

NM_001242896.3(DEPDC5):c.1453C>T (p.Arg485Ter)

Gene: DEPDC5 (DEP domain containing 5, GATOR1 subcomplex subunit; plus strand). Cytogenetic location: 22q12.3.
Variant type: single nucleotide variant.
Coding change: c.1453C>T on transcript NM_001242896.3 (MANE Select); coding-DNA position 1453, C replaced by T.
Protein change: p.Arg485Ter; replaces arginine 485 with a stop codon.
Molecular consequence: nonsense. On other transcripts: non-coding transcript variant (5).
Genome position (GRCh38, 1-based): chr22:31,814,999, C>T. VCF-style: chr22-31814999-C-T. GRCh37 (hg19) VCF-style: chr22-32210985-C-T.
Other names: c.1453C>T, p.Arg485Ter (NM_001007188.4, NM_001136029.4, NM_001242897.2 and 7 more transcripts); c.1369C>T, p.Arg457Ter (NM_001369901.1, NM_001369902.1); short protein forms R485*, R457*.
Identifiers: ClinVar variation 577194 (VCV000577194.13), dbSNP rs1568991466, ClinGen allele CA411277852.